The following is an entry in ClinVar:

NM_001128225.3(SLC39A13):c.104C>T (p.Pro35Leu)

Gene: SLC39A13 (solute carrier family 39 member 13; plus strand). Cytogenetic location: 11p11.2.
Variant type: single nucleotide variant.
Coding change: c.104C>T on transcript NM_001128225.3 (MANE Select); coding-DNA position 104, C replaced by T.
Protein change: p.Pro35Leu; replaces proline 35 with leucine.
Molecular consequence: missense variant. On other transcripts: non-coding transcript variant (1).
Genome position (GRCh38, 1-based): chr11:47,410,198, C>T. VCF-style: chr11-47410198-C-T. GRCh37 (hg19) VCF-style: chr11-47431749-C-T.
Other names: c.104C>T, p.Pro35Leu (NM_001330245.2, NM_152264.5); short protein forms P35L.
Identifiers: ClinVar variation 1321598 (VCV001321598.3), dbSNP rs374680665, ClinGen allele CA5975662.

ClinVar aggregate classification (germline): Uncertain significance. Review status: criteria provided, multiple submitters, no conflicts (2 of 4 stars). 2 submissions from 2 submitters: Uncertain significance (2). Last evaluated 2024-07-23.

Conditions:
Ehlers-Danlos syndrome, spondylodysplastic type, 3. Also called: Ehlers-Danlos syndrome, spondylocheirodysplastic type. Identifiers: Orphanet 157965, MedGen C2676510, MONDO:0012873, OMIM 612350.

Allele frequency attached by ClinVar (database versions not stated): gnomAD exomes 0.00006; gnomAD 0.00015 and 0.00014; 1000 Genomes Project 30x 0.00031; ExAC 0.00008; ESP Exome Variant Server 0.00008; 1000 Genomes Project 0.00040; TOPMed 0.00008.
gnomAD v4.1: 64 of 1,613,830 alleles (0.004%); highest among the groups gnomAD compares: African/African-American, 0.035%; no homozygotes.

Submissions (2):

Labcorp Genetics (formerly Invitae), Labcorp
Classification: Uncertain significance for Ehlers-Danlos syndrome, spondylodysplastic type, 3. Last evaluated: 2024-07-23. Review status: criteria provided, single submitter. Criteria: Invitae Variant Classification Sherloc (09022015). Collection method: clinical testing. Allele origin: germline.
Comment: This sequence change replaces proline, which is neutral and non-polar, with leucine, which is neutral and non-polar, at codon 35 of the SLC39A13 protein (p.Pro35Leu). This variant is present in population databases (rs374680665, gnomAD 0.02%). This variant has not been reported in the literature in individuals affected with SLC39A13-related conditions. ClinVar contains an entry for this variant (Variation ID: 1321598). An algorithm developed to predict the effect of missense changes on protein structure and function (PolyPhen-2) suggests that this variant¬†is likely to be tolerated. In summary, the available evidence is currently insufficient to determine the role of this variant in disease. Therefore, it has been classified as a Variant of Uncertain Significance.

GeneDx
Classification: Uncertain significance. Last evaluated: 2021-05-14. Review status: criteria provided, single submitter. Criteria: GeneDx Variant Classification Process June 2021. Collection method: clinical testing. Allele origin: germline. Affected: yes.
Comment: In silico analysis supports that this missense variant does not alter protein structure/function; Has not been previously published as pathogenic or benign to our knowledge